The following is an entry in ClinVar:

NM_001376232.1(ZP2):c.2017G>A (p.Gly673Ser)

Gene: ZP2 (zona pellucida glycoprotein 2; minus strand). Cytogenetic location: 16p12.3.
Variant type: single nucleotide variant.
Coding change: c.2017G>A on transcript NM_001376232.1 (MANE Select); coding-DNA position 2017, G replaced by A.
Protein change: p.Gly673Ser; replaces glycine 673 with serine.
Molecular consequence: missense variant. On other transcripts: non-coding transcript variant (1).
Genome position (GRCh38, 1-based): chr16:21,197,844, C>T on the plus strand (G>A on the coding strand, the complement: ZP2 is on the minus strand). VCF-style: chr16-21197844-C-T. GRCh37 (hg19) VCF-style: chr16-21209165-C-T.
Other names: c.1990G>A, p.Gly664Ser (NM_001376231.1); c.2050G>A, p.Gly684Ser (NM_001376233.1); c.2017G>A, p.Gly673Ser (NM_003460.2); short protein forms G664S, G673S, G684S.
Identifiers: ClinVar variation 5040920 (VCV005040920.1).
Genomic context (GRCh38, chr16:21,197,844, plus strand): 5'-CCCCTGTTTCACTCCTACTCTTCTCCCCACTGCTCCCACTTGCTTTTAGATCAGATGAGC[C>T]GACACCTGGGAAGAACCTGAGAGTTTAGTACAACATCTTCATGCTAGTCGATGTGGTTAG-3'
Protein context (NP_001363161.1, residues 663-683): LSDDSSFRGV[Gly673Ser]SSDLKASGSS

ClinVar aggregate classification (germline): Likely benign (1 of 4 stars; one submission).

gnomAD v4.1: 383 of 1,614,056 alleles (0.024%); highest among the groups gnomAD compares: South Asian, 0.31%; 4 homozygotes.

Submission:

CeGaT Center for Human Genetics Tuebingen
Classification: Likely benign. Last evaluated: 2026-09-01. Review status: criteria provided, single submitter. Criteria: CeGaT Center For Human Genetics Tuebingen Variant Classification Criteria Version 2. Collection method: clinical testing. Allele origin: germline. Affected: yes. Observed: 1 variant allele.
Comment: ZP2: BP4